The following is an entry in ClinVar:

ClinVar aggregate classification (germline): Conflicting classifications of pathogenicity. Review status: criteria provided, conflicting classifications (1 of 4 stars). 2 submissions from 2 submitters: Likely pathogenic (1); Uncertain significance (1). Last evaluated 2025-06-14.

Submissions (2):

GeneDx
Classification: Likely pathogenic. Last evaluated: 2025-06-14. Review status: criteria provided, single submitter. Criteria: GeneDx Variant Classification Process June 2021. Collection method: clinical testing. Allele origin: germline.
Comment: Not observed at significant frequency in large population cohorts (gnomAD); In silico analysis suggests that this missense variant does not alter protein structure/function; This variant is associated with the following publications: (PMID: 21541274)

Labcorp Genetics (formerly Invitae), Labcorp
Classification: Uncertain significance. Last evaluated: 2022-04-01. Review status: criteria provided, single submitter. Criteria: Invitae Variant Classification Sherloc (09022015). Collection method: clinical testing. Allele origin: germline.
Comment: This sequence change replaces valine, which is neutral and non-polar, with alanine, which is neutral and non-polar, at codon 377 of the TYR protein (p.Val377Ala). This variant is not present in population databases (gnomAD no frequency). This missense change has been observed in individual(s) with oculocutaneous albinism (Invitae). Advanced modeling of protein sequence and biophysical properties (such as structural, functional, and spatial information, amino acid conservation, physicochemical variation, residue mobility, and thermodynamic stability) performed at Invitae indicates that this missense variant is expected to disrupt TYR protein function. In summary, the available evidence is currently insufficient to determine the role of this variant in disease. Therefore, it has been classified as a Variant of Uncertain Significance.

NM_000372.5(TYR):c.1130T>C (p.Val377Ala)

Gene: TYR (tyrosinase; plus strand). Cytogenetic location: 11q14.3.
Variant type: single nucleotide variant.
Coding change: c.1130T>C on transcript NM_000372.5 (MANE Select); coding-DNA position 1130, T replaced by C.
Protein change: p.Val377Ala; replaces valine 377 with alanine.
Molecular consequence: missense variant.
Genome position (GRCh38, 1-based): chr11:89,227,916, T>C. VCF-style: chr11-89227916-T-C. GRCh37 (hg19) VCF-style: chr11-88961084-T-C.
Other names: short protein forms V377A.
Identifiers: ClinVar variation 1803296 (VCV001803296.4), dbSNP rs2496618758, ClinGen allele CA382028737.